The following is an entry in ClinVar:

ClinVar aggregate classification (germline): Uncertain significance (1 of 4 stars; one submission).

Conditions:
Menkes kinky-hair syndrome (MNK). Also called: Copper transport disease; Menkes Disease; Classic Menkes Disease. Identifiers: Orphanet 565, MedGen C0022716, MONDO:0010651, OMIM 309400.
Cutis laxa, X-linked (OHS). Also called: EDS IX; Occipital horn syndrome. Identifiers: Orphanet 198, MedGen C0268353, MONDO:0010572, OMIM 304150.
X-linked distal spinal muscular atrophy type 3. Also called: SPINAL MUSCULAR ATROPHY, DISTAL, X-LINKED RECESSIVE; NEURONOPATHY, DISTAL HEREDITARY MOTOR, X-LINKED; NEUROPATHY, DISTAL HEREDITARY MOTOR, X-LINKED; ATP7A-Related Distal Motor Neuropathy. Identifiers: Orphanet 139557, MedGen C1845359, MONDO:0010338, OMIM 300489.

Submission:

Labcorp Genetics (formerly Invitae), Labcorp
Classification: Uncertain significance for X-linked distal spinal muscular atrophy type 3; Cutis laxa, X-linked; Menkes kinky-hair syndrome. Last evaluated: 2023-07-17. Review status: criteria provided, single submitter. Criteria: Invitae Variant Classification Sherloc (09022015). Collection method: clinical testing. Allele origin: germline.
Comment: This sequence change replaces alanine, which is neutral and non-polar, with threonine, which is neutral and polar, at codon 1229 of the ATP7A protein (p.Ala1229Thr). This variant is not present in population databases (gnomAD no frequency). This variant has not been reported in the literature in individuals affected with ATP7A-related conditions. ClinVar contains an entry for this variant (Variation ID: 2131446). Advanced modeling of protein sequence and biophysical properties (such as structural, functional, and spatial information, amino acid conservation, physicochemical variation, residue mobility, and thermodynamic stability) performed at Invitae indicates that this missense variant is not expected to disrupt ATP7A protein function. In summary, the available evidence is currently insufficient to determine the role of this variant in disease. Therefore, it has been classified as a Variant of Uncertain Significance.

NM_000052.7(ATP7A):c.3685G>A (p.Ala1229Thr)

Gene: ATP7A (ATPase copper transporting alpha; plus strand). Cytogenetic location: Xq21.1.
Variant type: single nucleotide variant.
Coding change: c.3685G>A on transcript NM_000052.7 (MANE Select); coding-DNA position 3685, G replaced by A.
Protein change: p.Ala1229Thr; replaces alanine 1229 with threonine.
Molecular consequence: missense variant. On other transcripts: non-coding transcript variant (1).
Genome position (GRCh38, 1-based): chrX:78,040,617, G>A. VCF-style: chrX-78040617-G-A. GRCh37 (hg19) VCF-style: chrX-77296115-G-A.
Other names: c.3451G>A, p.Ala1151Thr (NM_001282224.2); short protein forms A1151T, A1229T.
Identifiers: ClinVar variation 2131446 (VCV002131446.4), dbSNP rs2522414446, ClinGen allele CA413604740.
Genomic context (GRCh38, chrX:78,040,617, plus strand): 5'-CAAGTTCTTTTATTTTGTGCTGCCCCTATATTAGATGAGCTGTGTGGCTTGATAGCCATT[G>A]CAGACACAGTGAAGCCTGAAGCAGAACTGGCTATCCATATTCTGAAATCTATGGGCTTAG-3'
Protein context (NP_000043.4, residues 1219-1239): DDELCGLIAI[Ala1229Thr]DTVKPEAELA